The following is an entry in ClinVar:

NM_020549.5(CHAT):c.1840-191G>A

Gene: CHAT (choline O-acetyltransferase; plus strand). Cytogenetic location: 10q11.23.
Variant type: single nucleotide variant.
Coding change: c.1840-191G>A on transcript NM_020549.5 (MANE Select); 191 bases into the intron before coding-DNA position 1840, G replaced by A.
Molecular consequence: intron variant.
Genome position (GRCh38, 1-based): chr10:49,662,454, G>A. VCF-style: chr10-49662454-G-A. GRCh37 (hg19) VCF-style: chr10-50870500-G-A.
Other names: c.1486-191G>A (NM_020984.4, NM_020985.4, NM_020986.4 and 2 more transcripts); c.1594-191G>A (NM_001142933.2).
Identifiers: ClinVar variation 680099 (VCV000680099.1), dbSNP rs11101200, ClinGen allele CA13154249.
Genomic context (GRCh38, chr10:49,662,454, plus strand): 5'-CAAGCTAGAACCCAACCTGCTCTGGACTCATTCAGTGCATGTGGAAATGCGCAAGGGCCC[G>A]GGAGCAGAGGCCGCATGGTAGAGCGGTCAGTCCTGAGCAGCCACTCATACACATTGTTGG-3'

ClinVar aggregate classification (germline): Benign (1 of 4 stars; one submission).

Allele frequency attached by ClinVar (database versions not stated): 1000 Genomes Project 0.32568; 1000 Genomes Project 30x 0.33011; TOPMed 0.40642; gnomAD 0.41868 and 0.42687.
gnomAD v4.1: 63,817 of 152,168 alleles (42%); highest among the groups gnomAD compares: Non-Finnish European, 46%; 13,858 homozygotes.

Submission:

GeneDx
Classification: Benign. Last evaluated: 2018-06-16. Review status: criteria provided, single submitter. Criteria: GeneDx Variant Classification (06012015). Collection method: clinical testing. Allele origin: germline. Affected: yes.
Comment: This variant is considered likely benign or benign based on one or more of the following criteria: it is a conservative change, it occurs at a poorly conserved position in the protein, it is predicted to be benign by multiple in silico algorithms, and/or has population frequency not consistent with disease.